The following is an entry in ClinVar:

ClinVar aggregate classification (germline): Uncertain significance. Review status: criteria provided, multiple submitters, no conflicts (2 of 4 stars). 3 submissions from 3 submitters: Uncertain significance (3). Last evaluated 2025-07-04.

Conditions:
Hereditary cancer-predisposing syndrome. Also called: Neoplastic Syndromes, Hereditary; Hereditary Cancer Syndrome; Tumor predisposition; Hereditary neoplastic syndrome. Identifiers: Orphanet 140162, MedGen C0027672, MeSH D009386, MONDO:0015356.
Hirschsprung disease, susceptibility to, 1 (HSCR1). Also called: RET-Related Hirschsprung Disease. Identifiers: Orphanet 388, MedGen C3888239, MONDO:0007723, OMIM 142623.
Multiple endocrine neoplasia type 2B. Also called: MEN 2B; MUCOSAL NEUROMA SYNDROME; Multiple endocrine neoplasia, type 3; MULTIPLE ENDOCRINE NEOPLASIA, TYPE IIB; Multiple Endocrine Neoplasia Type 2B (MEN2B); MEN IIB. Identifiers: Orphanet 247709, Orphanet 653, MedGen C0025269, MeSH D018814, MONDO:0008082, OMIM 162300.
Pheochromocytoma. Also called: MAX-Related Hereditary Paraganglioma-Pheochromocytoma Syndrome. Identifiers: Orphanet 29072, MedGen C0031511, MONDO:0008233, OMIM 171300, HP:0002666.
Familial medullary thyroid carcinoma (MTC). Also called: Thyroid cancer, familial medullary; MTC, familial; Familial Medullary Thyroid Carcinoma (FMTC). Identifiers: Orphanet 653, Orphanet 99361, MedGen C1833921, MONDO:0007958, OMIM 155240.
Multiple endocrine neoplasia type 2A. Also called: MULTIPLE ENDOCRINE NEOPLASIA, TYPE IIA; PTC SYNDROME; SIPPLE SYNDROME; MEN 2A; MEN-2A syndrome; Pheochromocytoma and amyloid producing medullary thyroid carcinoma. Identifiers: Orphanet 247698, Orphanet 653, MedGen C0025268, MeSH D018813, MONDO:0008234, OMIM 171400.
Multiple endocrine neoplasia, type 2 (MEN2). Identifiers: Orphanet 653, MedGen C4048306, MONDO:0019003. Disease mechanism: gain of function.

Allele frequency attached by ClinVar (database versions not stated): gnomAD exomes below 0.00001.
gnomAD v4.1: 3 of 1,611,798 alleles (0.00019%); highest among the groups gnomAD compares: African/African-American, 0.0013%; no homozygotes.

Submissions (3):

Ambry Genetics
Classification: Uncertain significance for Hereditary cancer-predisposing syndrome. Last evaluated: 2025-07-04. Review status: criteria provided, single submitter. Criteria: Ambry Variant Classification Scheme 2023. Collection method: clinical testing. Allele origin: germline.
Comment: The p.V254M variant (also known as c.760G>A), located in coding exon 4 of the RET gene, results from a G to A substitution at nucleotide position 760. The valine at codon 254 is replaced by methionine, an amino acid with highly similar properties. This amino acid position is well conserved in available vertebrate species. In addition, this alteration is predicted to be tolerated by in silico analysis. Since supporting evidence is limited at this time, the clinical significance of this alteration remains unclear.

Labcorp Genetics (formerly Invitae), Labcorp
Classification: Uncertain significance for Multiple endocrine neoplasia, type 2. Last evaluated: 2024-09-02. Review status: criteria provided, single submitter. Criteria: Invitae Variant Classification Sherloc (09022015). Collection method: clinical testing. Allele origin: germline.
Comment: This sequence change replaces valine, which is neutral and non-polar, with methionine, which is neutral and non-polar, at codon 254 of the RET protein (p.Val254Met). This variant is present in population databases (rs554862459, gnomAD 0.0009%). This variant has not been reported in the literature in individuals affected with RET-related conditions. ClinVar contains an entry for this variant (Variation ID: 660498). An algorithm developed to predict the effect of missense changes on protein structure and function (PolyPhen-2) suggests that this variant is likely to be tolerated. In summary, the available evidence is currently insufficient to determine the role of this variant in disease. Therefore, it has been classified as a Variant of Uncertain Significance.

Fulgent Genetics
Classification: Uncertain significance for Hirschsprung disease, susceptibility to, 1; Familial medullary thyroid carcinoma; Multiple endocrine neoplasia type 2B; Pheochromocytoma; Multiple endocrine neoplasia type 2A. Last evaluated: 2024-06-23. Review status: criteria provided, single submitter. Criteria: ACMG Guidelines, 2015. Collection method: clinical testing. Allele origin: germline.

NM_020975.6(RET):c.760G>A (p.Val254Met)

Gene: RET (ret proto-oncogene; plus strand). Cytogenetic location: 10q11.21.
Variant type: single nucleotide variant.
Coding change: c.760G>A on transcript NM_020975.6 (MANE Select); coding-DNA position 760, G replaced by A.
Protein change: p.Val254Met; replaces valine 254 with methionine.
Molecular consequence: missense variant.
Genome position (GRCh38, 1-based): chr10:43,105,086, G>A. VCF-style: chr10-43105086-G-A. GRCh37 (hg19) VCF-style: chr10-43600534-G-A.
Other names: c.631G>A, p.Val211Met (NM_001406764.1, NM_001406768.1, NM_001406774.1 and 2 more transcripts); c.760G>A, p.Val254Met (NM_001406765.1, NM_001406769.1, NM_001406772.1 and 8 more transcripts); c.472G>A, p.Val158Met (NM_001406766.1, NM_001406767.1, NM_001406770.1); c.-3G>A (NM_001355216.2); short protein forms V254M, V158M, V211M.
Identifiers: ClinVar variation 660498 (VCV000660498.16), dbSNP rs554862459, ClinGen allele CA206256832.